The following is an entry in ClinVar:

ClinVar aggregate classification (germline): Uncertain significance. Review status: criteria provided, multiple submitters, no conflicts (2 of 4 stars). 2 submissions from 2 submitters: Uncertain significance (2). Last evaluated 2025-04-30.

Conditions:
Inborn genetic diseases. Identifiers: MedGen C0950123, MeSH D030342.

gnomAD v4.1: 15 of 1,587,436 alleles (0.00094%); highest among the groups gnomAD compares: African/African-American, 0.008%; no homozygotes.

Submissions (2):

Dasa
Classification: Uncertain significance. Last evaluated: 2025-04-30. Review status: criteria provided, single submitter. Criteria: DASA Assertion Criteria. Collection method: clinical testing. Allele origin: germline.
Comment: NM_001005498.4(RHBDF2):c.1213G>A (p.Val405Ile) is a missense variant that results in the substitution of valine with isoleucine. This variant is rare in population databases. Computational prediction algorithms are consistent with a benign effect. The currently available literature and clinical evidence are not sufficient to establish a definitive association between this variant and the reported condition. Therefore, this variant is classified as a variant of uncertain significance.

Ambry Genetics
Classification: Uncertain significance for Inborn genetic diseases. Last evaluated: 2024-10-06. Review status: criteria provided, single submitter. Criteria: Ambry Variant Classification Scheme 2023. Collection method: clinical testing. Allele origin: germline.

NM_001005498.4(RHBDF2):c.1213G>A (p.Val405Ile)

Gene: RHBDF2 (rhomboid 5 homolog 2; minus strand). Cytogenetic location: 17q25.1.
Variant type: single nucleotide variant.
Coding change: c.1213G>A on transcript NM_001005498.4 (MANE Select); coding-DNA position 1213, G replaced by A.
Protein change: p.Val405Ile; replaces valine 405 with isoleucine.
Molecular consequence: missense variant. On other transcripts: non-coding transcript variant (3).
Genome position (GRCh38, 1-based): chr17:76,475,044, C>T on the plus strand (G>A on the coding strand, the complement: RHBDF2 is on the minus strand). VCF-style: chr17-76475044-C-T. GRCh37 (hg19) VCF-style: chr17-74471126-C-T.
Other names: c.1213G>A, p.Val405Ile (NM_001376228.1, NM_001376229.1, NM_001376230.1); c.1300G>A, p.Val434Ile (NM_024599.5); short protein forms V405I, V434I.
Identifiers: ClinVar variation 3433094 (VCV003433094.3).